The following is an entry in ClinVar:

NM_001164665.2(KIAA1549):c.187+6C>T

Gene: KIAA1549 (KIAA1549; minus strand). Cytogenetic location: 7q34.
Variant type: single nucleotide variant.
Coding change: c.187+6C>T on transcript NM_001164665.2 (MANE Select); 6 bases into the intron after coding-DNA position 187, C replaced by T.
Molecular consequence: intron variant.
Genome position (GRCh38, 1-based): chr7:138,981,077, G>A on the plus strand (C>T on the coding strand, the complement: KIAA1549 is on the minus strand). VCF-style: chr7-138981077-G-A. GRCh37 (hg19) VCF-style: chr7-138665823-G-A.
Other names: c.187+6C>T (NM_020910.3).
Identifiers: ClinVar variation 3043930 (VCV003043930.2), dbSNP rs1814531852, ClinGen allele CA1107801148.

ClinVar aggregate classification (germline): Likely benign (0 of 4 stars; one submission).

Conditions:
KIAA1549-related disorder. Also called: KIAA1549-related condition.

Allele frequency attached by ClinVar (database versions not stated): TOPMed below 0.00001; gnomAD 0.00001.
gnomAD v4.1: 9 of 1,225,010 alleles (0.00073%); highest among the groups gnomAD compares: South Asian, 0.0082%; no homozygotes.

Submission:

PreventionGenetics, part of Exact Sciences
Classification: Likely benign for KIAA1549-related condition. Last evaluated: 2019-06-07. Review status: no assertion criteria provided. Collection method: clinical testing. Allele origin: germline.
Comment: This variant is classified as likely benign based on ACMG/AMP sequence variant interpretation guidelines (Richards et al. 2015 PMID: 25741868, with internal and published modifications).